The following is an entry in ClinVar:

ClinVar aggregate classification (germline): Likely benign. Review status: criteria provided, multiple submitters, no conflicts (2 of 4 stars). 2 submissions from 2 submitters: Likely benign (2). Last evaluated 2025-05-05.

Conditions:
Tuberous sclerosis 2 (TSC2). Identifiers: Orphanet 805, MedGen C1860707, MONDO:0013199, OMIM 613254.

Submissions (2):

Myriad Genetics, Inc.
Classification: Likely benign for Tuberous sclerosis 2. Last evaluated: 2025-05-05. Review status: criteria provided, single submitter. Criteria: Myriad Autosomal Dominant, Autosomal Recessive and X-Linked Classification Criteria (2023). Collection method: clinical testing. Allele origin: unknown.
Comment: This variant is considered likely benign. This variant is intronic and is not expected to impact mRNA splicing.

Labcorp Genetics (formerly Invitae), Labcorp
Classification: Likely benign for Tuberous sclerosis 2. Last evaluated: 2024-09-18. Review status: criteria provided, single submitter. Criteria: Invitae Variant Classification Sherloc (09022015). Collection method: clinical testing. Allele origin: germline.

NM_000548.5(TSC2):c.482-19G>A

Gene: TSC2 (TSC complex subunit 2; plus strand). Cytogenetic location: 16p13.3.
Variant type: single nucleotide variant.
Coding change: c.482-19G>A on transcript NM_000548.5 (MANE Select); 19 bases into the intron before coding-DNA position 482, G replaced by A.
Molecular consequence: intron variant.
Genome position (GRCh38, 1-based): chr16:2,055,383, G>A. VCF-style: chr16-2055383-G-A. GRCh37 (hg19) VCF-style: chr16-2105384-G-A.
Other names: c.572-19G>A (NM_001406667.1, NM_001406668.1); c.-335-19G>A (NM_001406680.1, NM_001406683.1, NM_001406687.1); c.-950-19G>A (NM_001406689.1, NM_001406690.1, NM_001406692.1 and 2 more transcripts); c.-1126-19G>A (NM_001406698.1); c.482-19G>A (NM_001114382.3, NM_001406663.1, NM_001406664.1 and 8 more transcripts); c.-831-19G>A (NM_001406694.1, NM_001406695.1); c.-938-19G>A (NM_001406696.1); c.37-36G>A (NM_001406681.1); and 6 more.
Identifiers: ClinVar variation 3692218 (VCV003692218.3).